The following is an entry in ClinVar:

ClinVar aggregate classification (germline): Uncertain significance. Review status: criteria provided, multiple submitters, no conflicts (2 of 4 stars). 2 submissions from 2 submitters: Uncertain significance (2). Last evaluated 2024-02-27.

Conditions:
Osteogenesis imperfecta type I (OI1). Also called: Classic Non-deforming Osteogenesis Imperfecta with Blue Sclerae; OI, TYPE I; OSTEOGENESIS IMPERFECTA TARDA; OSTEOGENESIS IMPERFECTA WITH BLUE SCLERAE; Osteogenesis imperfecta type 1; Lobstein's Disease. Identifiers: Orphanet 216796, Orphanet 666, MedGen C0023931, MONDO:0008146, OMIM 166200. Disease mechanism: loss of function.

Submissions (2):

GeneDx
Classification: Uncertain significance. Last evaluated: 2024-02-27. Review status: criteria provided, single submitter. Criteria: GeneDx Variant Classification Process June 2021. Collection method: clinical testing. Allele origin: germline. Affected: yes.
Comment: Has not been previously published as pathogenic or benign to our knowledge; Not observed at significant frequency in large population cohorts (gnomAD); In silico analysis supports that this missense variant has a deleterious effect on protein structure/function; Not located in the triple helical region, where the majority of pathogenic missense variants occur (HGMD)

Labcorp Genetics (formerly Invitae), Labcorp
Classification: Uncertain significance for Osteogenesis imperfecta type I. Last evaluated: 2021-08-31. Review status: criteria provided, single submitter. Criteria: Invitae Variant Classification Sherloc (09022015). Collection method: clinical testing. Allele origin: germline.
Comment: In summary, the available evidence is currently insufficient to determine the role of this variant in disease. Therefore, it has been classified as a Variant of Uncertain Significance. Advanced modeling of protein sequence and biophysical properties (such as structural, functional, and spatial information, amino acid conservation, physicochemical variation, residue mobility, and thermodynamic stability) performed at Invitae indicates that this missense variant is not expected to disrupt COL1A1 protein function. This variant has not been reported in the literature in individuals affected with COL1A1-related conditions. The frequency data for this variant in the population databases is considered unreliable, as metrics indicate insufficient coverage at this position in the ExAC database. This sequence change replaces proline with alanine at codon 146 of the COL1A1 protein (p.Pro146Ala). The proline residue is highly conserved and there is a small physicochemical difference between proline and alanine.

NM_000088.4(COL1A1):c.436C>G (p.Pro146Ala)

Gene: COL1A1 (collagen type I alpha 1 chain; minus strand). Cytogenetic location: 17q21.33.
Variant type: single nucleotide variant.
Coding change: c.436C>G on transcript NM_000088.4 (MANE Select); coding-DNA position 436, C replaced by G.
Protein change: p.Pro146Ala; replaces proline 146 with alanine.
Molecular consequence: missense variant.
Genome position (GRCh38, 1-based): chr17:50,199,261, G>C on the plus strand (C>G on the coding strand, the complement: COL1A1 is on the minus strand). VCF-style: chr17-50199261-G-C. GRCh37 (hg19) VCF-style: chr17-48276622-G-C.
Other names: c.436C>G (NM_000088.3); short protein forms P146A.
Identifiers: ClinVar variation 1414840 (VCV001414840.7), dbSNP rs756846639, ClinGen allele CA400227337.